The following is an entry in ClinVar:

NM_000260.4(MYO7A):c.3750+5G>A

Gene: MYO7A (myosin VIIA; plus strand). Cytogenetic location: 11q13.5.
Variant type: single nucleotide variant.
Coding change: c.3750+5G>A on transcript NM_000260.4 (MANE Select); 5 bases into the intron after coding-DNA position 3750, G replaced by A.
Molecular consequence: intron variant.
Genome position (GRCh38, 1-based): chr11:77,190,144, G>A. VCF-style: chr11-77190144-G-A. GRCh37 (hg19) VCF-style: chr11-76901189-G-A.
Other names: c.3717+5G>A (NM_001369365.1); c.3750+5G>A (NM_001127180.2).
Identifiers: ClinVar variation 43220 (VCV000043220.33), dbSNP rs111033391, ClinGen allele CA132303.

ClinVar aggregate classification (germline): Conflicting classifications of pathogenicity. Review status: criteria provided, conflicting classifications (1 of 4 stars). 12 submissions from 12 submitters: Uncertain significance (9); Likely benign (1). 2 of the submissions do not count toward it. Last evaluated 2026-06-16.

Conditions:
MYO7A-related disorder. Also called: MYO7A-related disorders.
Usher syndrome type 1 (USH1). Also called: RETINITIS PIGMENTOSA AND CONGENITAL DEAFNESS. Identifiers: Orphanet 231169, Orphanet 886, MedGen C1568247, MONDO:0010168, OMIM 276900.
Autosomal dominant nonsyndromic hearing loss 11. Identifiers: Orphanet 90635, MedGen C1832475, MONDO:0011032, OMIM 601317.
Autosomal recessive nonsyndromic hearing loss 2. Also called: NEUROSENSORY NONSYNDROMIC RECESSIVE DEAFNESS 2; DEAFNESS, AUTOSOMAL RECESSIVE 2. Identifiers: Orphanet 90636, MedGen C1838701, MONDO:0010807, OMIM 600060.
Usher syndrome type 1B (USH1B). Also called: Usher syndrome type IB. Identifiers: MedGen C1848638, MONDO:0700087.

Allele frequency attached by ClinVar (database versions not stated): gnomAD exomes 0.00075; ESP Exome Variant Server 0.00095; ExAC 0.00139; 1000 Genomes Project 30x 0.00016; 1000 Genomes Project 0.00020; gnomAD 0.00063 and 0.00065; TOPMed 0.00069.
gnomAD v4.1: 2,103 of 1,555,710 alleles (0.14%); highest among the groups gnomAD compares: Non-Finnish European, 0.17%; 1 homozygote.

Submissions (12):

PreventionGenetics, part of Exact Sciences
Classification: Uncertain significance for MYO7A-related condition. Last evaluated: 2026-06-16. Review status: criteria provided, single submitter. Criteria: ACMG Guidelines, 2015. Collection method: clinical testing. Allele origin: germline.
Comment: The MYO7A c.3750+5G>A variant is predicted to interfere with splicing. This variant is predicted to impact splicing by one available splicing algorithm (SpliceAI, Jaganathan et al. 2019. PubMed ID: 30661751). This variant was reported in a cohort of individuals with sensorineural hearing loss (supplementary data, Florentine et al. 2022. PubMed ID: 34515852). However, this variant is reported in 0.12% of alleles in individuals of European (Non-Finnish) descent in gnomAD, which may be too frequent to be a primary cause of disease. Although we suspect that this variant may be benign, at this time, the clinical significance of this variant is uncertain due to the absence of conclusive functional and genetic evidence.

CeGaT Center for Human Genetics Tuebingen
Classification: Uncertain significance. Last evaluated: 2026-05-01. Review status: criteria provided, single submitter. Criteria: CeGaT Center For Human Genetics Tuebingen Variant Classification Criteria Version 2. Collection method: clinical testing. Allele origin: germline. Affected: yes. Observed: 2 variant alleles.

Labcorp Genetics (formerly Invitae), Labcorp
Classification: Uncertain significance. Last evaluated: 2025-01-29. Review status: criteria provided, single submitter. Criteria: Invitae Variant Classification Sherloc (09022015). Collection method: clinical testing. Allele origin: germline.
Comment: This sequence change falls in intron 29 of the MYO7A gene. It does not directly change the encoded amino acid sequence of the MYO7A protein. It affects a nucleotide within the consensus splice site. This variant is present in population databases (rs111033391, gnomAD 0.1%), and has an allele count higher than expected for a pathogenic variant. This variant has been observed in individual(s) with deafness (PMID: 34515852). ClinVar contains an entry for this variant (Variation ID: 43220). Variants that disrupt the consensus splice site are a relatively common cause of aberrant splicing (PMID: 17576681, 9536098). Algorithms developed to predict the effect of sequence changes on RNA splicing suggest that this variant may disrupt the consensus splice site. In summary, the available evidence is currently insufficient to determine the role of this variant in disease. Therefore, it has been classified as a Variant of Uncertain Significance.

Blueprint Genetics
Classification: Likely benign. Last evaluated: 2024-08-29. Review status: criteria provided, single submitter. Criteria: ACMG Guidelines, 2015. Collection method: clinical testing. Allele origin: germline.

Fulgent Genetics
Classification: Uncertain significance for Usher syndrome type 1; Autosomal recessive nonsyndromic hearing loss 2; Autosomal dominant nonsyndromic hearing loss 11. Last evaluated: 2024-01-16. Review status: criteria provided, single submitter. Criteria: ACMG Guidelines, 2015. Collection method: clinical testing. Allele origin: germline.

Women's Health and Genetics/Laboratory Corporation of America, LabCorp
Classification: Uncertain significance. Last evaluated: 2023-02-11. Review status: criteria provided, single submitter. Criteria: LabCorp Variant Classification Summary - May 2015. Collection method: clinical testing. Allele origin: germline.

Mayo Clinic Laboratories, Mayo Clinic
Classification: Uncertain significance. Last evaluated: 2021-12-22. Review status: criteria provided, single submitter. Criteria: ACMG Guidelines, 2015. Collection method: clinical testing. Allele origin: germline. Observed: 1 variant allele.
Comment: BS1_supporting

GeneDx
Classification: Uncertain significance. Last evaluated: 2018-10-25. Review status: criteria provided, single submitter. Criteria: GeneDx Variant Classification (06012015). Collection method: clinical testing. Allele origin: germline. Affected: yes.
Comment: The c.3750+5 G>A variant in the MYO7A gene has not been reported previously as a pathogenic variant nor as a benign variant, to our knowledge. This variant is predicted to reduce the quality of the splice donor site in intron 29, and is expected to cause abnormal gene splicing. The c.3750+5 G>A variant is observed in 125/185496 (0.0674%) alleles in large population cohorts (Lek et al., 2016). We interpret c.3750+5G>A as a variant of uncertain significance.

Laboratory for Molecular Medicine, Mass General Brigham Personalized Medicine
Classification: Uncertain significance. Last evaluated: 2017-08-17. Review status: criteria provided, single submitter. Criteria: LMM Criteria. Collection method: clinical testing. Allele origin: germline. Observed: 4 variant alleles.
Comment: The c.3750+5G>A variant in MYO7A has now been identified by our laboratory in 4 individuals with hearing loss, 2 of those also have retinal abnormalities. Howev er, a second variant in MYO7A was not found in any of them. This variant has bee n identified in 0.1% (93/76532) of European chromosomes and 0.07% (125/185496) o f total chromosomes by the Genome Aggregation Database (gnomAD; dbSNP rs111033391). Although this variant has been seen in the general population, its frequency is not high enough to rule out a pathogenic r ole. This variant is located in the 5' splice region. Computational tools sugges t a possible impact to splicing. However, this information is not predictive eno ugh to determine pathogenicity. In summary, the clinical significance of the c.3 750+5G>A variant is uncertain.

Eurofins Ntd Llc (ga)
Classification: Uncertain significance. Last evaluated: 2017-07-21. Review status: criteria provided, single submitter. Criteria: EGL Classification Definitions 2015. Collection method: clinical testing. Allele origin: germline. Observed: 1 variant allele, 1 heterozygote.

Natera, Inc.
Classification: Uncertain significance for Usher syndrome type 1B. Last evaluated: 2020-04-16. Review status: no assertion criteria provided. Collection method: clinical testing. Allele origin: germline. Not counted in ClinVar's aggregate classification.

Department of Pathology and Laboratory Medicine, Sinai Health System
Classification: Uncertain significance. Review status: no assertion criteria provided. Collection method: clinical testing. Allele origin: unknown. Affected: yes. Study: The Canadian Open Genetics Repository (COGR). Not counted in ClinVar's aggregate classification.
Comment: The MYO7A c.3750+5G>A variant was not identified in the literature nor was it identified in Cosmic. The variant was identified in dbSNP (ID: rs111033391), ClinVar (classified as uncertain significance by four submitters with associated conditions of autosomal dominant and recessive deafness, type 11, and Usher syndrome type 1), and LOVD 3.0. The variant was identified in control databases in 131 of 190936 chromosomes at a frequency of 0.000686 increasing the likelihood this could be a low frequency benign variant (Genome Aggregation Database Feb 27, 2017). The variant was observed in the following populations: European (non-Finnish) in 97 of 79474 chromosomes (freq: 0.001221), European (Finnish) in 14 of 19312 chromosomes (freq: 0.000725), Other in 3 of 5524 chromosomes (freq: 0.000543), African in 7 of 17338 chromosomes (freq: 0.000404), Latino in 7 of 25308 chromosomes (freq: 0.000277), East Asian in 2 of 12954 chromosomes (freq: 0.000154) and South Asian in 1 of 22384 chromosomes (freq: 0.000045); it was not observed in the Ashkenazi Jewish population. The c.3750+5G>A variant is located in the 5' splice region but does not affect the invariant +1 and +2 positions. However, positions +3 to +6 are part of the splicing consensus sequence and variants involving these positions sometimes affect splicing. In addition, three of four in silico or computational prediction software programs (SpliceSiteFinder, MaxEntScan, NNSPLICE) predict the loss of the 5â€šÃ„Ã´ canonical splice site. In summary, based on the above information the clinical significance of this variant cannot be determined with certainty at this time. This variant is classified as a variant of uncertain significance.

Literature cited by the submitters: PubMed 34515852 (cited by Labcorp Genetics (formerly Invitae), Labcorp); PubMed 17576681 (cited by Labcorp Genetics (formerly Invitae), Labcorp); PubMed 9536098 (cited by Labcorp Genetics (formerly Invitae), Labcorp).